The following is an entry in ClinVar:

NM_017780.4(CHD7):c.4916T>C (p.Val1639Ala)

Gene: CHD7 (chromodomain helicase DNA binding protein 7; plus strand). Cytogenetic location: 8q12.2.
Variant type: single nucleotide variant.
Coding change: c.4916T>C on transcript NM_017780.4 (MANE Select); coding-DNA position 4916, T replaced by C.
Protein change: p.Val1639Ala; replaces valine 1639 with alanine.
Molecular consequence: missense variant. On other transcripts: intron variant (1).
Genome position (GRCh38, 1-based): chr8:60,844,929, T>C. VCF-style: chr8-60844929-T-C. GRCh37 (hg19) VCF-style: chr8-61757488-T-C.
Other names: c.1717-17300T>C (NM_001316690.1); short protein forms V1639A.
Identifiers: ClinVar variation 4086445 (VCV004086445.1).

ClinVar aggregate classification (germline): Uncertain significance (1 of 4 stars; one submission).

gnomAD v4.1: 1 of 1,613,828 alleles (0.000062%); highest among the groups gnomAD compares: Non-Finnish European, 0.000085%; no homozygotes.

Submission:

GeneDx
Classification: Uncertain significance. Last evaluated: 2025-03-20. Review status: criteria provided, single submitter. Criteria: GeneDx Variant Classification Process June 2021. Collection method: clinical testing. Allele origin: germline. Affected: yes.
Comment: Not observed at significant frequency in large population cohorts (gnomAD); In silico analysis supports that this missense variant has a deleterious effect on protein structure/function; Has not been previously published as pathogenic or benign to our knowledge